The following is an entry in ClinVar:

NM_006949.4(STXBP2):c.911C>T (p.Thr304Met)

Gene: STXBP2 (syntaxin binding protein 2; plus strand). Cytogenetic location: 19p13.2.
Variant type: single nucleotide variant.
Coding change: c.911C>T on transcript NM_006949.4 (MANE Select); coding-DNA position 911, C replaced by T.
Protein change: p.Thr304Met; replaces threonine 304 with methionine.
Molecular consequence: missense variant. On other transcripts: non-coding transcript variant (1).
Genome position (GRCh38, 1-based): chr19:7,642,774, C>T. VCF-style: chr19-7642774-C-T. GRCh37 (hg19) VCF-style: chr19-7707660-C-T.
Other names: c.902C>T, p.Thr301Met (NM_001127396.3); c.944C>T, p.Thr315Met (NM_001272034.2); short protein forms T304M, T301M, T315M.
Identifiers: ClinVar variation 893811 (VCV000893811.11), dbSNP rs200135215, ClinGen allele CA9143872.

ClinVar aggregate classification (germline): Uncertain significance. Review status: criteria provided, multiple submitters, no conflicts (2 of 4 stars). 5 submissions from 5 submitters: Uncertain significance (4). 1 of the submissions does not count toward it. Last evaluated 2026-06-23.

Conditions:
Thrombocytopenia. Identifiers: MedGen C0040034, MeSH D013921, MONDO:0002049, HP:0001873.
Abnormal bleeding. Also called: Bleeding diathesis. Identifiers: MedGen C1458140, HP:0001892.
Familial hemophagocytic lymphohistiocytosis 5. Also called: STXBP2-Related Familial Hemophagocytic Lymphohistiocytosis (STXBP2-fHLH). Identifiers: Orphanet 540, MedGen C2751293, MONDO:0013135, OMIM 613101.

Allele frequency attached by ClinVar (database versions not stated): gnomAD 0.00007 and 0.00008; gnomAD exomes 0.00008 and 0.00014; TOPMed 0.00009; ExAC 0.00012.

Submissions (5):

Women's Health and Genetics/Laboratory Corporation of America, LabCorp
Classification: Uncertain significance. Last evaluated: 2026-06-23. Review status: criteria provided, single submitter. Criteria: LabCorp Variant Classification Summary - May 2015. Collection method: clinical testing. Allele origin: germline.
Comment: Variant summary: STXBP2 c.911C>T (p.Thr304Met) results in a non-conservative amino acid change in the encoded protein sequence. Algorithms developed to predict the effect of missense changes on protein structure and function all suggest that this variant is likely to be disruptive. The variant allele was found at a frequency of 8.4e-05 in 250388 control chromosomes. This frequency is not significantly higher than estimated for disease-causing variants in STXBP2, allowing no conclusion about variant significance. c.911C>T has been observed in individual(s) affected with familial hemophagocytic lymphohistiocytosis (Ferrari_2018, Zhang_2014). These report(s) do not provide unequivocal conclusions about association of the variant with disease. To our knowledge, no experimental evidence demonstrating an impact on protein function has been reported. The following publications have been ascertained in the context of this evaluation (PMID: 28399723, 24916509). ClinVar contains an entry for this variant (Variation ID: 893811). Based on the evidence outlined above, the variant was classified as uncertain significance.

Labcorp Genetics (formerly Invitae), Labcorp
Classification: Uncertain significance for Familial hemophagocytic lymphohistiocytosis 5. Last evaluated: 2024-01-22. Review status: criteria provided, single submitter. Criteria: Invitae Variant Classification Sherloc (09022015). Collection method: clinical testing. Allele origin: germline.
Comment: This sequence change replaces threonine, which is neutral and polar, with methionine, which is neutral and non-polar, at codon 304 of the STXBP2 protein (p.Thr304Met). This variant is present in population databases (rs200135215, gnomAD 0.01%). This missense change has been observed in individual(s) with clinical features of familial hemophagocytic lymphohistiocytosis (PMID: 24916509). ClinVar contains an entry for this variant (Variation ID: 893811). Advanced modeling of protein sequence and biophysical properties (such as structural, functional, and spatial information, amino acid conservation, physicochemical variation, residue mobility, and thermodynamic stability) performed at Invitae indicates that this missense variant is not expected to disrupt STXBP2 protein function with a negative predictive value of 80%. In summary, the available evidence is currently insufficient to determine the role of this variant in disease. Therefore, it has been classified as a Variant of Uncertain Significance.

Blueprint Genetics
Classification: Uncertain significance. Last evaluated: 2023-08-04. Review status: criteria provided, single submitter. Criteria: ACMG Guidelines, 2015. Collection method: clinical testing. Allele origin: germline.

Illumina Laboratory Services, Illumina
Classification: Uncertain significance for Familial hemophagocytic lymphohistiocytosis 5. Last evaluated: 2018-04-09. Review status: criteria provided, single submitter. Criteria: ICSL Variant Classification Criteria 13 December 2019. Collection method: clinical testing. Allele origin: germline.
Comment: This variant was observed as part of a predisposition screen in an ostensibly healthy population. A literature search was performed for the gene, cDNA change, and amino acid change (where applicable). Publications were found based on this search. However, the evidence from the literature, in combination with allele frequency data from public databases where available, was not sufficient to rule this variant in or out of causing disease. Therefore, this variant is classified as a variant of unknown significance.

Birmingham Platelet Group; University of Birmingham
Classification: Uncertain significance for Thrombocytopenia; Abnormal bleeding. Last evaluated: 2020-05-01. Review status: no assertion criteria provided. Collection method: research. Allele origin: germline. Affected: yes. Not counted in ClinVar's aggregate classification.

Literature cited by the submitters: PubMed 24916509 (cited by 3 submitters); PubMed 28399723 (cited by Women's Health and Genetics/Laboratory Corporation of America, LabCorp and Illumina Laboratory Services, Illumina).